The following is an entry in ClinVar:

NM_030777.4(SLC2A10):c.581C>T (p.Thr194Ile)

Gene: SLC2A10 (solute carrier family 2 member 10; plus strand). Cytogenetic location: 20q13.12.
Variant type: single nucleotide variant.
Coding change: c.581C>T on transcript NM_030777.4 (MANE Select); coding-DNA position 581, C replaced by T.
Protein change: p.Thr194Ile; replaces threonine 194 with isoleucine.
Molecular consequence: missense variant.
Genome position (GRCh38, 1-based): chr20:46,725,617, C>T. VCF-style: chr20-46725617-C-T. GRCh37 (hg19) VCF-style: chr20-45354256-C-T.
Other names: short protein forms T194I.
Identifiers: ClinVar variation 264101 (VCV000264101.21), dbSNP rs763889166, ClinGen allele CA9892002.

ClinVar aggregate classification (germline): Conflicting classifications of pathogenicity. Review status: criteria provided, conflicting classifications (1 of 4 stars). 5 submissions from 5 submitters: Uncertain significance (1); Likely benign (2). 2 of the submissions do not count toward it. Last evaluated 2026-04-22.

Conditions:
Familial thoracic aortic aneurysm and aortic dissection (TAAD). Also called: Thoracic aortic aneurysms and dissections. Identifiers: Orphanet 91387, MedGen C4707243, MONDO:0019625.
Arterial tortuosity syndrome (ATORS). Identifiers: Orphanet 3342, MedGen C1859726, MONDO:0008818, OMIM 208050.

Allele frequency attached by ClinVar (database versions not stated): gnomAD exomes 0.00006 and 0.00008; gnomAD 0.00007 and 0.00008; TOPMed 0.00003; ExAC 0.00009.
gnomAD v4.1: 97 of 1,614,200 alleles (0.006%); highest among the groups gnomAD compares: Middle Eastern, 0.049%; no homozygotes.

Submissions (5):

GeneDx
Classification: Uncertain significance. Last evaluated: 2026-04-22. Review status: criteria provided, single submitter. Criteria: GeneDx Variant Classification Process June 2021. Collection method: clinical testing. Allele origin: germline.
Comment: Not observed at significant frequency in large population cohorts (gnomAD); In silico analysis suggests that this missense variant does not alter protein structure/function; Has not been previously published as pathogenic or benign to our knowledge

Labcorp Genetics (formerly Invitae), Labcorp
Classification: Likely benign for Arterial tortuosity syndrome. Last evaluated: 2026-01-24. Review status: criteria provided, single submitter. Criteria: Invitae Variant Classification Sherloc (09022015). Collection method: clinical testing. Allele origin: germline.

Ambry Genetics
Classification: Likely benign for Familial thoracic aortic aneurysm and aortic dissection. Last evaluated: 2025-08-22. Review status: criteria provided, single submitter. Criteria: Ambry Variant Classification Scheme 2023. Collection method: clinical testing. Allele origin: germline.

Genome Diagnostics Laboratory, University Medical Center Utrecht
Classification: Likely benign. Review status: no assertion criteria provided. Collection method: clinical testing. Allele origin: germline. Affected: yes. Study: VKGL Data-share Consensus. Not counted in ClinVar's aggregate classification.

Joint Genome Diagnostic Labs from Nijmegen and Maastricht, Radboudumc and MUMC+
Classification: Likely benign. Review status: no assertion criteria provided. Collection method: clinical testing. Allele origin: germline. Affected: yes. Study: VKGL Data-share Consensus. Not counted in ClinVar's aggregate classification.